The following is an entry in ClinVar:

ClinVar aggregate classification (germline): Benign. Review status: criteria provided, multiple submitters, no conflicts (2 of 4 stars). 4 submissions from 2 submitters: Benign (4). Last evaluated 2026-01-19.

Conditions:
Rabson-Mendenhall syndrome. Also called: MENDENHALL SYNDROME; Pineal Hyperplasia, Insulin-Resistant Diabetes Mellitus, and Somatic Abnormalities; Pineal hyperplasia AND diabetes mellitus syndrome. Identifiers: Orphanet 769, MedGen C0271695, MONDO:0009874, OMIM 262190.
Leprechaunism syndrome. Also called: Donohue syndrome; LEPRECHAUNISM. Identifiers: Orphanet 508, MedGen C0265344, MONDO:0009517, OMIM 246200.
Insulin-resistant diabetes mellitus AND acanthosis nigricans. Also called: Insulin-resistance syndrome type A; INSULIN RECEPTOR, DEFECT IN, WITH INSULIN-RESISTANT DIABETES MELLITUS AND ACANTHOSIS NIGRICANS; IRAN, TYPE A; type A insulin resistance; DIABETES MELLITUS, INSULIN-RESISTANT, WITH ACANTHOSIS NIGRICANS, TYPE A. Identifiers: Orphanet 2297, MedGen C0342278, MONDO:0012520, OMIM 610549.

Allele frequency attached by ClinVar (database versions not stated): gnomAD exomes 0.00823; ExAC 0.01191; gnomAD 0.01856 and 0.01900; ESP Exome Variant Server 0.01946; TOPMed 0.02004; 1000 Genomes Project 30x 0.02124; 1000 Genomes Project 0.02196.
gnomAD v4.1: 14,997 of 1,613,910 alleles (0.93%); highest among the groups gnomAD compares: African/African-American, 4.3%; 164 homozygotes.

Submissions (4):

Labcorp Genetics (formerly Invitae), Labcorp
Classification: Benign. Last evaluated: 2026-01-19. Review status: criteria provided, single submitter. Criteria: Invitae Variant Classification Sherloc (09022015). Collection method: clinical testing. Allele origin: germline.

Illumina Laboratory Services, Illumina
Classification: Benign for Insulin-resistant diabetes mellitus AND acanthosis nigricans. Last evaluated: 2018-01-13. Review status: criteria provided, single submitter. Criteria: ICSL Variant Classification Criteria 13 December 2019. Collection method: clinical testing. Allele origin: germline.
Comment: This variant was observed in the ICSL laboratory as part of a predisposition screen in an ostensibly healthy population. It had not been previously curated by ICSL or reported in the Human Gene Mutation Database (HGMD: prior to June 1st, 2018), and was therefore a candidate for classification through an automated scoring system. Utilizing variant allele frequency, disease prevalence and penetrance estimates, and inheritance mode, an automated score was calculated to assess if this variant is too frequent to cause the disease. Based on the score and internal cut-off values, a variant classified as benign is not then subjected to further curation. The score for this variant resulted in a classification of benign for this disease.

Illumina Laboratory Services, Illumina
Classification: Benign for Leprechaunism syndrome. Last evaluated: 2018-01-13. Review status: criteria provided, single submitter. Criteria: ICSL Variant Classification Criteria 13 December 2019. Collection method: clinical testing. Allele origin: germline.
Comment: the same text as in the submission from Illumina Laboratory Services, Illumina above.

Illumina Laboratory Services, Illumina
Classification: Benign for Rabson-Mendenhall syndrome. Last evaluated: 2018-01-13. Review status: criteria provided, single submitter. Criteria: ICSL Variant Classification Criteria 13 December 2019. Collection method: clinical testing. Allele origin: germline.
Comment: the same text as in the submission from Illumina Laboratory Services, Illumina above.

NM_000208.4(INSR):c.2542+3A>G

Gene: INSR (insulin receptor; minus strand). Cytogenetic location: 19p13.2.
Variant type: single nucleotide variant.
Coding change: c.2542+3A>G on transcript NM_000208.4 (MANE Select); 3 bases into the intron after coding-DNA position 2542, A replaced by G.
Molecular consequence: intron variant.
Genome position (GRCh38, 1-based): chr19:7,142,813, T>C on the plus strand (A>G on the coding strand, the complement: INSR is on the minus strand). VCF-style: chr19-7142813-T-C. GRCh37 (hg19) VCF-style: chr19-7142824-T-C.
Other names: c.2506+3A>G (NM_001079817.3).
Identifiers: ClinVar variation 330457 (VCV000330457.12), dbSNP rs13306451, ClinGen allele CA9135528.